The following is an entry in ClinVar:

NM_182914.3(SYNE2):c.11108A>G (p.Glu3703Gly)

Gene: SYNE2 (spectrin repeat containing nuclear envelope protein 2; plus strand). Cytogenetic location: 14q23.2.
Variant type: single nucleotide variant.
Coding change: c.11108A>G on transcript NM_182914.3 (MANE Select); coding-DNA position 11108, A replaced by G.
Protein change: p.Glu3703Gly; replaces glutamic acid 3703 with glycine.
Molecular consequence: missense variant.
Genome position (GRCh38, 1-based): chr14:64,078,551, A>G. VCF-style: chr14-64078551-A-G. GRCh37 (hg19) VCF-style: chr14-64545269-A-G.
Other names: c.11108A>G, p.Glu3703Gly (NM_015180.6); short protein forms E3703G.
Identifiers: ClinVar variation 960134 (VCV000960134.13), dbSNP rs763363520, ClinGen allele CA7221704.

ClinVar aggregate classification (germline): Uncertain significance. Review status: criteria provided, multiple submitters, no conflicts (2 of 4 stars). 3 submissions from 3 submitters: Uncertain significance (3). Last evaluated 2025-02-27.

Conditions:
Emery-Dreifuss muscular dystrophy 5, autosomal dominant (EDMD5). Also called: EMERY-DREIFUSS MUSCULAR DYSTROPHY 5. Identifiers: Orphanet 261, MedGen C2751805, MONDO:0013072, OMIM 612999.

Allele frequency attached by ClinVar (database versions not stated): gnomAD exomes below 0.00001; ExAC 0.00001; TOPMed 0.00001; gnomAD 0.00003 and 0.00004.
gnomAD v4.1: 13 of 1,614,022 alleles (0.00081%); highest among the groups gnomAD compares: Middle Eastern, 0.016%; no homozygotes.

Submissions (3):

Ambry Genetics
Classification: Uncertain significance. Last evaluated: 2025-02-27. Review status: criteria provided, single submitter. Criteria: Ambry Variant Classification Scheme 2023. Collection method: clinical testing. Allele origin: germline.

Women's Health and Genetics/Laboratory Corporation of America, LabCorp
Classification: Uncertain significance. Last evaluated: 2024-01-22. Review status: criteria provided, single submitter. Criteria: LabCorp Variant Classification Summary - May 2015. Collection method: clinical testing. Allele origin: germline.
Comment: Variant summary: SYNE2 c.11108A>G (p.Glu3703Gly) results in a non-conservative amino acid change in the encoded protein sequence. Four of five in-silico tools predict a damaging effect of the variant on protein function. The variant allele was found at a frequency of 4e-06 in 251358 control chromosomes. The available data on variant occurrences in the general population are insufficient to allow any conclusion about variant significance. To our knowledge, no occurrence of c.11108A>G in individuals affected with Emery-Dreifuss Muscular Dystrophy 5, Autosomal Dominant and no experimental evidence demonstrating its impact on protein function have been reported. ClinVar contains an entry for this variant (Variation ID: 960134). Based on the evidence outlined above, the variant was classified as uncertain significance.

Labcorp Genetics (formerly Invitae), Labcorp
Classification: Uncertain significance for Emery-Dreifuss muscular dystrophy 5, autosomal dominant. Last evaluated: 2022-02-08. Review status: criteria provided, single submitter. Criteria: Invitae Variant Classification Sherloc (09022015). Collection method: clinical testing. Allele origin: germline.
Comment: ClinVar contains an entry for this variant (Variation ID: 960134). Algorithms developed to predict the effect of missense changes on protein structure and function are either unavailable or do not agree on the potential impact of this missense change (SIFT: "Tolerated"; PolyPhen-2: "Probably Damaging"; Align-GVGD: "Class C0"). In summary, the available evidence is currently insufficient to determine the role of this variant in disease. Therefore, it has been classified as a Variant of Uncertain Significance. This variant has not been reported in the literature in individuals affected with SYNE2-related conditions. This variant is present in population databases (rs763363520, gnomAD 0.007%). This sequence change replaces glutamic acid, which is acidic and polar, with glycine, which is neutral and non-polar, at codon 3703 of the SYNE2 protein (p.Glu3703Gly).